The following is an entry in ClinVar:

NM_001374828.1(ARID1B):c.2728del (p.Tyr910fs)

Gene: ARID1B (AT-rich interaction domain 1B; plus strand). Cytogenetic location: 6q25.3.
Variant type: Deletion.
Coding change: c.2728del on transcript NM_001374828.1 (MANE Select); coding-DNA position 2728, one base deleted (T; older notation c.2728delT).
Protein change: p.Tyr910fs; shifts the reading frame from tyrosine 910.
Molecular consequence: frameshift variant.
Genome position (GRCh38, 1-based): chr6:157,133,174, T deleted; the last of 2 consecutive T bases (chr6:157,133,173-157,133,174); deleting either gives the same sequence. VCF-style (leftmost placement, unchanged base first): chr6-157133172-CT-C. GRCh37 (hg19) VCF-style: chr6-157454306-CT-C.
Other names: c.2479delT, p.Tyr827Thrfs (NM_001346813.1); c.229del, p.Tyr77fs (NM_001363725.2); c.2767del, p.Tyr923fs (NM_001371656.1, NM_001374820.1); c.2728del, p.Tyr910fs (NM_017519.3); c.2518delT, p.Tyr840Thrfs (NM_020732.3); c.2305delT, p.Tyr769Thrfs (NM_175863.2); short protein forms Y77fs, Y910fs, Y923fs.
Identifiers: ClinVar variation 1801701 (VCV001801701.1), dbSNP rs2537641323, ClinGen allele CA2580075256.
Genomic context (GRCh38, chr6:157,133,172, plus strand): 5'-CTCCTGGGGGCCAGATGCATGCTGGAATCAGTAGCTTTCAGCAGAGTAACTCAAGTGGGA[CT>C]TACGGTCCACAGATGAGCCAGTATGGACCACAAGGTAAAACCAAAGCTTCTCCAAAATGC-3'

ClinVar aggregate classification (germline): Likely pathogenic (1 of 4 stars; one submission).

Conditions:
Global developmental delay (DD). Also called: Cognitive delay. Identifiers: MedGen C0557874, HP:0001263. Disease mechanism: loss of function.

Submission:

Human Genetics Bochum, Ruhr University Bochum
Classification: Likely pathogenic for Global developmental delay. Last evaluated: 2021-12-21. Review status: criteria provided, single submitter. Criteria: ACMG Guidelines, 2015. Collection method: clinical testing. Allele origin: germline. Affected: yes.
Comment: ACMG criteria used to clasify this variant: PVS1, PM2_SUP